The following is an entry in ClinVar:

ClinVar aggregate classification (germline): Benign. Review status: criteria provided, multiple submitters, no conflicts (2 of 4 stars). 2 submissions from 2 submitters: Benign (2). Last evaluated 2016-03-28.

Allele frequency attached by ClinVar (database versions not stated): 1000 Genomes Project 0.43510; 1000 Genomes Project 30x 0.43676; gnomAD exomes 0.45717 and 0.47585; ExAC 0.46237; TOPMed 0.46832; gnomAD 0.48137 and 0.48573; ESP Exome Variant Server 0.49531.
gnomAD v4.1: 767,228 of 1,612,388 alleles (48%); highest among the groups gnomAD compares: African/African-American, 50%; 185,568 homozygotes.

Submissions (2):

Laboratory for Molecular Medicine, Mass General Brigham Personalized Medicine
Classification: Benign. Last evaluated: 2016-03-28. Review status: criteria provided, single submitter. Criteria: LMM Criteria. Collection method: clinical testing. Allele origin: germline.
Comment: Variant identified in a genome or exome case(s) and assessed due to predicted null impact of the variant or pathogenic assertions in the literature or databases. Disclaimer: This variant has not undergone full assessment. The following are preliminary notes: Frequency

Breakthrough Genomics
Classification: Benign. Review status: criteria provided, single submitter. Criteria: ACMG Guidelines, 2015. Collection method: not provided. Allele origin: germline. Inheritance: Unknown mechanism. Affected: yes.

NM_001725.3(BPI):c.634G>A (p.Glu212Lys)

Gene: BPI (bactericidal permeability increasing protein; plus strand). Cytogenetic location: 20q11.23.
Variant type: single nucleotide variant.
Coding change: c.634G>A on transcript NM_001725.3 (MANE Select); coding-DNA position 634, G replaced by A.
Protein change: p.Glu212Lys; replaces glutamic acid 212 with lysine.
Molecular consequence: missense variant.
Genome position (GRCh38, 1-based): chr20:38,318,446, G>A. VCF-style: chr20-38318446-G-A. GRCh37 (hg19) VCF-style: chr20-36946848-G-A.
Other names: short protein forms E216K, E212K.
Identifiers: ClinVar variation 402434 (VCV000402434.5), dbSNP rs4358188, ClinGen allele CA9852236.